The following is an entry in ClinVar:

ClinVar aggregate classification (germline): Uncertain significance. Review status: criteria provided, multiple submitters, no conflicts (2 of 4 stars). 3 submissions from 3 submitters: Uncertain significance (3). Last evaluated 2024-03-07.

Conditions:
Hereditary nonpolyposis colorectal neoplasms. Identifiers: MedGen C0009405, MeSH D003123.
Hereditary cancer-predisposing syndrome. Also called: Hereditary neoplastic syndrome; Tumor predisposition; Hereditary Cancer Syndrome; Neoplastic Syndromes, Hereditary. Identifiers: Orphanet 140162, MedGen C0027672, MeSH D009386, MONDO:0015356.

Allele frequency attached by ClinVar (database versions not stated): gnomAD exomes 0.00001.

Submissions (3):

Color Diagnostics, LLC DBA Color Health
Classification: Uncertain significance for Hereditary cancer-predisposing syndrome. Last evaluated: 2024-03-07. Review status: criteria provided, single submitter. Criteria: ACMG Guidelines, 2015. Collection method: clinical testing. Allele origin: germline.
Comment: This missense variant replaces proline with serine at codon 802 of the MSH6 protein. Computational prediction suggests that this variant may not impact protein structure and function (internally defined REVEL score threshold <= 0.5, PMID: 27666373). Splice site prediction tools suggest that this variant may not impact RNA splicing. To our knowledge, functional studies have not been reported for this variant. This variant has not been reported in individuals affected with hereditary cancer in the literature. This variant has not been identified in the general population by the Genome Aggregation Database (gnomAD). The available evidence is insufficient to determine the role of this variant in disease conclusively. Therefore, this variant is classified as a Variant of Uncertain Significance.

Labcorp Genetics (formerly Invitae), Labcorp
Classification: Uncertain significance for Hereditary nonpolyposis colorectal neoplasms. Last evaluated: 2022-09-21. Review status: criteria provided, single submitter. Criteria: Invitae Variant Classification Sherloc (09022015). Collection method: clinical testing. Allele origin: germline.
Comment: ClinVar contains an entry for this variant (Variation ID: 491896). In summary, the available evidence is currently insufficient to determine the role of this variant in disease. Therefore, it has been classified as a Variant of Uncertain Significance. Advanced modeling of protein sequence and biophysical properties (such as structural, functional, and spatial information, amino acid conservation, physicochemical variation, residue mobility, and thermodynamic stability) performed at Invitae indicates that this missense variant is not expected to disrupt MSH6 protein function. This variant has not been reported in the literature in individuals affected with MSH6-related conditions. This variant is not present in population databases (gnomAD no frequency). This sequence change replaces proline, which is neutral and non-polar, with serine, which is neutral and polar, at codon 802 of the MSH6 protein (p.Pro802Ser).

Ambry Genetics
Classification: Uncertain significance for Hereditary cancer-predisposing syndrome. Last evaluated: 2018-05-07. Review status: criteria provided, single submitter. Criteria: Ambry Variant Classification Scheme 2023. Collection method: clinical testing. Allele origin: germline.
Comment: The p.P802S variant (also known as c.2404C>T), located in coding exon 4 of the MSH6 gene, results from a C to T substitution at nucleotide position 2404. The proline at codon 802 is replaced by serine, an amino acid with similar properties. This amino acid position is not well conserved in available vertebrate species. In addition, the in silico prediction for this alteration is inconclusive. In addition, the CoDP in silico tool predicts this alteration to have a minor impact on molecular function, with a score of 0.001 (Terui H et al. J. Biomed. Sci. 2013 Apr;20:25). Since supporting evidence is limited at this time, the clinical significance of this alteration remains unclear.

NM_000179.3(MSH6):c.2404C>T (p.Pro802Ser)

Gene: MSH6 (mutS homolog 6; plus strand). Cytogenetic location: 2p16.3.
Variant type: single nucleotide variant.
Coding change: c.2404C>T on transcript NM_000179.3 (MANE Select); coding-DNA position 2404, C replaced by T.
Protein change: p.Pro802Ser; replaces proline 802 with serine.
Molecular consequence: missense variant.
Genome position (GRCh38, 1-based): chr2:47,800,387, C>T. VCF-style: chr2-47800387-C-T. GRCh37 (hg19) VCF-style: chr2-48027526-C-T.
Other names: c.2014C>T, p.Pro672Ser (NM_001281492.2); c.1498C>T, p.Pro500Ser (NM_001281493.2, NM_001281494.2); short protein forms P802S, P500S, P672S.
Identifiers: ClinVar variation 491896 (VCV000491896.18), dbSNP rs1553413764, ClinGen allele CA346753942.